The following is an entry in ClinVar:

NM_001377142.1(PLCB4):c.1885C>T (p.Arg629Trp)

Gene: PLCB4 (phospholipase C beta 4; plus strand). Cytogenetic location: 20p12.2.
Variant type: single nucleotide variant.
Coding change: c.1885C>T on transcript NM_001377142.1 (MANE Select); coding-DNA position 1885, C replaced by T.
Protein change: p.Arg629Trp; replaces arginine 629 with tryptophan.
Molecular consequence: missense variant.
Genome position (GRCh38, 1-based): chr20:9,409,067, C>T. VCF-style: chr20-9409067-C-T. GRCh37 (hg19) VCF-style: chr20-9389714-C-T.
Other names: c.1849C>T, p.Arg617Trp (NM_000933.4, NM_001377134.2, NM_001377135.1 and 2 more transcripts); c.1885C>T, p.Arg629Trp (NM_001172646.2, NM_001377143.1); short protein forms R617W, R629W.
Identifiers: ClinVar variation 339570 (VCV000339570.6), dbSNP rs530479821, ClinGen allele CA9761252.

ClinVar aggregate classification (germline): Conflicting classifications of pathogenicity. Review status: criteria provided, conflicting classifications (1 of 4 stars). 2 submissions from 2 submitters: Uncertain significance (1); Benign (1). Last evaluated 2023-09-29.

Conditions:
Inborn genetic diseases. Identifiers: MedGen C0950123, MeSH D030342.
Auriculocondylar syndrome 2 (ARCND2A). Also called: AURICULOCONDYLAR SYNDROME 2A. Identifiers: Orphanet 137888, MedGen C3553404, MONDO:0013845, OMIM 614669.

Allele frequency attached by ClinVar (database versions not stated): gnomAD 0.00001 and 0.00002; TOPMed 0.00001; gnomAD exomes 0.00003 and 0.00004; ExAC 0.00004; 1000 Genomes Project 30x 0.00016; 1000 Genomes Project 0.00020.
gnomAD v4.1: 48 of 1,609,434 alleles (0.003%); highest among the groups gnomAD compares: East Asian, 0.0067%; no homozygotes.

Submissions (2):

Ambry Genetics
Classification: Uncertain significance for Inborn genetic diseases. Last evaluated: 2023-09-29. Review status: criteria provided, single submitter. Criteria: Ambry Variant Classification Scheme 2023. Collection method: clinical testing. Allele origin: germline.

Illumina Laboratory Services, Illumina
Classification: Benign for Auriculocondylar syndrome 2. Last evaluated: 2018-01-13. Review status: criteria provided, single submitter. Criteria: ICSL Variant Classification Criteria 13 December 2019. Collection method: clinical testing. Allele origin: germline.
Comment: This variant was observed in the ICSL laboratory as part of a predisposition screen in an ostensibly healthy population. It had not been previously curated by ICSL or reported in the Human Gene Mutation Database (HGMD: prior to June 1st, 2018), and was therefore a candidate for classification through an automated scoring system. Utilizing variant allele frequency, disease prevalence and penetrance estimates, and inheritance mode, an automated score was calculated to assess if this variant is too frequent to cause the disease. Based on the score and internal cut-off values, a variant classified as benign is not then subjected to further curation. The score for this variant resulted in a classification of benign for this disease.